The following is an entry in ClinVar:

ClinVar aggregate classification (germline): Benign. Review status: criteria provided, single submitter (1 of 4 stars). 2 submissions from 2 submitters: Benign (1). 1 of the submissions does not count toward it. Last evaluated 2024-01-24.

Conditions:
NOS2-related disorder. Also called: NOS2-related condition.

Allele frequency attached by ClinVar (database versions not stated): gnomAD exomes 0.62702; ExAC 0.65823; ESP Exome Variant Server 0.66659; gnomAD 0.67446; TOPMed 0.67860; 1000 Genomes Project 30x 0.72767; 1000 Genomes Project 0.73003.

Submissions (2):

Unidad de Genómica Garrahan, Hospital de Pediatría Garrahan
Classification: Benign. Last evaluated: 2024-01-24. Review status: criteria provided, single submitter. Criteria: ACMG Guidelines, 2015. Collection method: clinical testing. Allele origin: germline. Affected: no. Observed: 83 variant alleles.
Comment: This variant is classified as Benign based on local population frequency. This variant was detected in 87% of patients studied by a panel of primary immunodeficiencies. Number of patients: 83. Only high quality variants are reported.

PreventionGenetics, part of Exact Sciences
Classification: Benign for NOS2-related condition. Last evaluated: 2019-10-17. Review status: no assertion criteria provided. Collection method: clinical testing. Allele origin: germline. Not counted in ClinVar's aggregate classification.
Comment: This variant is classified as benign based on ACMG/AMP sequence variant interpretation guidelines (Richards et al. 2015 PMID: 25741868, with internal and published modifications).

NM_000625.4(NOS2):c.2428+6C>T

Gene: NOS2 (nitric oxide synthase 2; minus strand). Cytogenetic location: 17q11.2.
Variant type: single nucleotide variant.
Coding change: c.2428+6C>T on transcript NM_000625.4 (MANE Select); 6 bases into the intron after coding-DNA position 2428, C replaced by T.
Molecular consequence: intron variant.
Genome position (GRCh38, 1-based): chr17:27,765,529, G>A on the plus strand (C>T on the coding strand, the complement: NOS2 is on the minus strand). VCF-style: chr17-27765529-G-A. GRCh37 (hg19) VCF-style: chr17-26092555-G-A.
Identifiers: ClinVar variation 2687956 (VCV002687956.4), dbSNP rs2297512, ClinGen allele CA8454399.